The following is an entry in ClinVar:

NM_003119.4(SPG7):c.1766A>C (p.Glu589Ala)

Gene: SPG7 (SPG7 matrix AAA peptidase subunit, paraplegin; plus strand). Cytogenetic location: 16q24.3.
Variant type: single nucleotide variant.
Coding change: c.1766A>C on transcript NM_003119.4 (MANE Select); coding-DNA position 1766, A replaced by C.
Protein change: p.Glu589Ala; replaces glutamic acid 589 with alanine.
Molecular consequence: missense variant.
Genome position (GRCh38, 1-based): chr16:89,550,596, A>C. VCF-style: chr16-89550596-A-C. GRCh37 (hg19) VCF-style: chr16-89617004-A-C.
Other names: c.1766A>C, p.Glu589Ala (NM_001363850.1); short protein forms E589A.
Identifiers: ClinVar variation 4820975 (VCV004820975.4).
Genomic context (GRCh38, chr16:89,550,596, plus strand): 5'-AAGTGGTTGCGTTTCATGAGTCGGGCCACGCCTTGGTGGGCTGGATGCTGGAGCACACGG[A>C]GGCCGTGATGAAGGTGGGTCTTGGCAGGTGCCGGCTCCACGGGCCTTGGCCAAAGGTGGG-3'
Protein context (NP_003110.1, residues 579-599): ALVGWMLEHT[Glu589Ala]AVMKVSITPR

ClinVar aggregate classification (germline): Uncertain significance (1 of 4 stars; one submission).

gnomAD v4.1: 8 of 1,613,100 alleles (0.0005%); highest among the groups gnomAD compares: Non-Finnish European, 0.00068%; no homozygotes.

Submission:

CeGaT Center for Human Genetics Tuebingen
Classification: Uncertain significance. Last evaluated: 2026-01-01. Review status: criteria provided, single submitter. Criteria: CeGaT Center For Human Genetics Tuebingen Variant Classification Criteria Version 2. Collection method: clinical testing. Allele origin: germline. Affected: yes. Observed: 1 variant allele.
Comment: SPG7: PM2